The following is an entry in ClinVar:

NM_006017.3(PROM1):c.2281-3del

Gene: PROM1 (prominin 1; minus strand). Cytogenetic location: 4p15.32.
Variant type: Deletion.
Coding change: c.2281-3del on transcript NM_006017.3 (MANE Select); 3 bases into the intron before coding-DNA position 2281, one base deleted (T; older notation c.2281-3delT).
Molecular consequence: intron variant.
Genome position (GRCh38, 1-based): chr4:15,984,358, A deleted on the plus strand (T on the coding strand, the reverse complement: PROM1 is on the minus strand). VCF-style (leftmost placement, unchanged base first): chr4-15984357-TA-T. GRCh37 (hg19) VCF-style: chr4-15985980-TA-T.
Other names: c.2254-3del (NM_001145848.2, NM_001145852.2, NM_001145847.2 and 4 more transcripts); c.2281-3del (NM_001145850.2, NM_001145849.2).
Identifiers: ClinVar variation 956680 (VCV000956680.9), dbSNP rs1718769525, ClinGen allele CA1059658558.

ClinVar aggregate classification (germline): Uncertain significance (1 of 4 stars; one submission).

Allele frequency attached by ClinVar (database versions not stated): gnomAD 0.00001; TOPMed 0.00001.

Submission:

Labcorp Genetics (formerly Invitae), Labcorp
Classification: Uncertain significance. Last evaluated: 2022-01-15. Review status: criteria provided, single submitter. Criteria: Invitae Variant Classification Sherloc (09022015). Collection method: clinical testing. Allele origin: germline.
Comment: This variant has not been reported in the literature in individuals affected with PROM1-related conditions. This variant is not present in population databases (gnomAD no frequency). This sequence change falls in intron 21 of the PROM1 gene. It does not directly change the encoded amino acid sequence of the PROM1 protein. It affects a nucleotide within the consensus splice site. ClinVar contains an entry for this variant (Variation ID: 956680). In summary, the available evidence is currently insufficient to determine the role of this variant in disease. Therefore, it has been classified as a Variant of Uncertain Significance. Variants that disrupt the consensus splice site are a relatively common cause of aberrant splicing (PMID: 17576681, 9536098). Algorithms developed to predict the effect of sequence changes on RNA splicing suggest that this variant is not likely to affect RNA splicing.

Literature cited by the submitters: PubMed 17576681; PubMed 9536098.